The following is an entry in ClinVar:

NC_000006.11:g.(?_43581377)_(43582294_?)del

Gene: POLH (DNA polymerase eta; plus strand). Cytogenetic location: 6p21.1.
Variant type: Deletion.
Identifiers: ClinVar variation 3246202 (VCV003246202.1).

ClinVar aggregate classification (germline): Pathogenic (1 of 4 stars; one submission).

Submission:

Labcorp Genetics (formerly Invitae), Labcorp
Classification: Pathogenic. Last evaluated: 2023-05-22. Review status: criteria provided, single submitter. Criteria: Invitae Variant Classification Sherloc (09022015). Collection method: clinical testing. Allele origin: unknown.
Comment: For these reasons, this variant has been classified as Pathogenic. This variant disrupts a region of the POLH protein in which other variant(s) (p.Asn555Thrfs*30) have been determined to be pathogenic (PMID: 17344931, 18368133, 24130121, 35328096). This suggests that this is a clinically significant region of the protein, and that variants that disrupt it are likely to be disease-causing. This variant is a gross deletion of the genomic region encompassing exon(s) 11 of the POLH gene, which includes the termination codon. This deletion extends beyond the assayed region for this gene and therefore may encompass additional genes. While this deletion is not anticipated to lead to nonsense mediated decay, it is expected to alter mRNA translation or result in a truncated protein product. This variant has not been reported in the literature in individuals affected with POLH-related conditions.

Literature cited by the submitters: PubMed 17344931; PubMed 18368133; PubMed 24130121; PubMed 35328096.